The following is an entry in ClinVar:

ClinVar aggregate classification (germline): Uncertain significance (1 of 4 stars; one submission).

Submission:

Labcorp Genetics (formerly Invitae), Labcorp
Classification: Uncertain significance. Last evaluated: 2021-09-01. Review status: criteria provided, single submitter. Criteria: Invitae Variant Classification Sherloc (09022015). Collection method: clinical testing. Allele origin: germline.
Comment: This sequence change replaces tryptophan with arginine at codon 320 of the SLC25A12 protein (p.Trp320Arg). The tryptophan residue is moderately conserved and there is a moderate physicochemical difference between tryptophan and arginine. In summary, the available evidence is currently insufficient to determine the role of this variant in disease. Therefore, it has been classified as a Variant of Uncertain Significance. Algorithms developed to predict the effect of missense changes on protein structure and function are either unavailable or do not agree on the potential impact of this missense change (SIFT: "Deleterious"; PolyPhen-2: "Possibly Damaging"; Align-GVGD: "Class C0"). This variant has not been reported in the literature in individuals with SLC25A12-related conditions. This variant is not present in population databases (ExAC no frequency).

NM_003705.5(SLC25A12):c.958T>A (p.Trp320Arg)

Gene: SLC25A12 (solute carrier family 25 member 12; minus strand). Cytogenetic location: 2q31.1.
Variant type: single nucleotide variant.
Coding change: c.958T>A on transcript NM_003705.5 (MANE Select); coding-DNA position 958, T replaced by A.
Protein change: p.Trp320Arg; replaces tryptophan 320 with arginine.
Molecular consequence: missense variant. On other transcripts: non-coding transcript variant (1).
Genome position (GRCh38, 1-based): chr2:171,815,175, A>T on the plus strand (T>A on the coding strand, the complement: SLC25A12 is on the minus strand). VCF-style: chr2-171815175-A-T. GRCh37 (hg19) VCF-style: chr2-172671685-A-T.
Other names: short protein forms W320R.
Identifiers: ClinVar variation 1493798 (VCV001493798.8), dbSNP rs2105864950, ClinGen allele CA349290536.
Genomic context (GRCh38, chr2:171,815,175, plus strand): 5'-ACTCACCTCCAGCAACTGAGCCCAGAGTGAATCTGTAAGCAGACTCGGCAATCTGGAGCC[A>T]GATAGGCCTGCCTAACCCAGGAGACTGCTGCAGAGAAGAAAACGGGTAAAAAAAAATCTT-3'
Protein context (NP_003696.2, residues 310-330): QQSPGLGRPI[Trp320Arg]LQIAESAYRF